The following is an entry in ClinVar:

ClinVar aggregate classification (germline): Pathogenic. Review status: criteria provided, multiple submitters, no conflicts (2 of 4 stars). 3 submissions from 3 submitters: Pathogenic (3). Last evaluated 2025-06-09.

Conditions:
Ichthyosis linearis circumflexa. Identifiers: MedGen C0265962, MONDO:0043106, HP:0025810.
Netherton syndrome (NETH). Also called: ERYTHRODERMA, ICHTHYOSIFORM, WITH HYPOTRICHOSIS AND HYPER-IgE; COMEL-NETHERTON SYNDROME; NETHERTON DISEASE. Identifiers: Orphanet 634, MedGen C5574950, MONDO:0009735, OMIM 256500.

Allele frequency attached by ClinVar (database versions not stated): gnomAD exomes 0.00001 and 0.00004; ExAC 0.00002; gnomAD 0.00003; TOPMed 0.00005.

Submissions (3):

Labcorp Genetics (formerly Invitae), Labcorp
Classification: Pathogenic for Ichthyosis linearis circumflexa. Last evaluated: 2025-06-09. Review status: criteria provided, single submitter. Criteria: Invitae Variant Classification Sherloc (09022015). Collection method: clinical testing. Allele origin: germline.
Comment: This sequence change creates a premature translational stop signal (p.Arg371*) in the SPINK5 gene. It is expected to result in an absent or disrupted protein product. Loss-of-function variants in SPINK5 are known to be pathogenic (PMID: 11511292, 11841556). This variant is present in population databases (rs777436361, gnomAD 0.005%). This premature translational stop signal has been observed in individual(s) with Netherton syndrome (PMID: 11841556). ClinVar contains an entry for this variant (Variation ID: 989374). For these reasons, this variant has been classified as Pathogenic.

Victorian Clinical Genetics Services, Murdoch Childrens Research Institute
Classification: Pathogenic for Netherton syndrome. Last evaluated: 2022-02-02. Review status: criteria provided, single submitter. Criteria: ACMG Guidelines, 2015. Collection method: clinical testing. Allele origin: germline. Inheritance: Autosomal recessive inheritance. Affected: yes.
Comment: Based on the classification scheme VCGS_Germline_v1.3.4, this variant is classified as Pathogenic. Following criteria are met: 0102 - Loss of function is a known mechanism of disease in this gene and is associated with Netherton syndrome (MIM#256500). (I) 0106 - This gene is associated with autosomal recessive disease. (I) 0115 - Variants in this gene are known to have variable expressivity. Variation in disease severity has been reported in this gene (PMIDs: 11841556, 27905021). (I) 0201 - Variant is predicted to cause nonsense-mediated decay (NMD) and loss of protein (premature termination codon is located at least 54 nucleotides upstream of the final exon-exon junction). (SP) 0251 - This variant is heterozygous. (I) 0304 - Variant is present in gnomAD (v2, v3) <0.01 for a recessive condition (4 heterozygotes, 0 homozygotes). (SP) 0701 - Other premature termination variants comparable to the one identified in this case have very strong previous evidence for pathogenicity. Many NMD-predicted variants in this gene have been reported as pathogenic/likely pathogenic (ClinVar). (SP) 0801 - This variant has strong previous evidence of pathogenicity in unrelated individuals. It has been reported as homozygous or compound heterozygous in multiple individuals with Netherton syndrome (PMIDs: 11841556, 22089833, 23331056) and as pathogenic in ClinVar. (I) Legend: (SP) - Supporting pathogenic, (I) - Information, (SB) - Supporting benign

Illumina Laboratory Services, Illumina
Classification: Pathogenic for Netherton syndrome. Last evaluated: 2019-02-20. Review status: criteria provided, single submitter. Criteria: ICSLVariantClassificationCriteria RUGD 01 April 2020. Collection method: clinical testing. Allele origin: unknown.
Comment: The SPINK5 c.1111C>T (p.Arg371Ter) variant is a stop-gained variant that is predicted to result in premature termination of the protein. Across a selection of the available literature, the p.Arg371Ter variant has been reported in at least four studies, in which it is found in a total of seven individuals with Netherton syndrome, including in one in a homozygous state and six in a compound heterozygous state (Bitoun et al. 2002; Lacroix et al. 2012; Diociaiuti et al. 2013; Sitek et al. 2018). Control data are unavailable for this variant, which is reported at a frequency of 0.000023 in the European (non-Finnish) population of the Genome Aggregation Database. Immunohistochemistry identified a complete absence of the SPINK5 protein in skin cells from the patient who carried the p.Arg371Ter variant in a homozygous state (Diociaiuti et al. 2013). Based on the collective evidence and application of the ACMG criteria, the p.Arg371Ter variant is classified as pathogenic for Netherton syndrome.

Literature cited by the submitters: PubMed 11511292 (cited by Labcorp Genetics (formerly Invitae), Labcorp); PubMed 11841556 (cited by 3 submitters); PubMed 22089833 (cited by Victorian Clinical Genetics Services, Murdoch Childrens Research Institute and Illumina Laboratory Services, Illumina); PubMed 23331056 (cited by Victorian Clinical Genetics Services, Murdoch Childrens Research Institute and Illumina Laboratory Services, Illumina); PubMed 27905021 (cited by Victorian Clinical Genetics Services, Murdoch Childrens Research Institute); PubMed 29444371 (cited by Illumina Laboratory Services, Illumina).

NM_006846.4(SPINK5):c.1111C>T (p.Arg371Ter)

Gene: SPINK5 (serine peptidase inhibitor Kazal type 5; plus strand). Cytogenetic location: 5q32.
Variant type: single nucleotide variant.
Coding change: c.1111C>T on transcript NM_006846.4 (MANE Select); coding-DNA position 1111, C replaced by T.
Protein change: p.Arg371Ter; replaces arginine 371 with a stop codon.
Molecular consequence: nonsense.
Genome position (GRCh38, 1-based): chr5:148,100,472, C>T. VCF-style: chr5-148100472-C-T. GRCh37 (hg19) VCF-style: chr5-147480035-C-T.
Other names: c.1111C>T, p.Arg371Ter (NM_001127698.2, NM_001127699.2); short protein forms R371*.
Identifiers: ClinVar variation 989374 (VCV000989374.15), dbSNP rs777436361, ClinGen allele CA3495483.